The following is an entry in ClinVar:

NM_005751.5(AKAP9):c.5593A>C (p.Ser1865Arg)

Gene: AKAP9 (A-kinase anchoring protein 9; plus strand). Cytogenetic location: 7q21.2.
Variant type: single nucleotide variant.
Coding change: c.5593A>C on transcript NM_005751.5 (MANE Select); coding-DNA position 5593, A replaced by C.
Protein change: p.Ser1865Arg; replaces serine 1865 with arginine.
Molecular consequence: missense variant.
Genome position (GRCh38, 1-based): chr7:92,052,950, A>C. VCF-style: chr7-92052950-A-C. GRCh37 (hg19) VCF-style: chr7-91682264-A-C.
Other names: c.5593A>C, p.Ser1865Arg (NM_147185.3); short protein forms S1865R.
Identifiers: ClinVar variation 2972701 (VCV002972701.4), dbSNP rs1478936254, ClinGen allele CA368131406.

ClinVar aggregate classification (germline): Uncertain significance. Review status: criteria provided, multiple submitters, no conflicts (2 of 4 stars). 2 submissions from 2 submitters: Uncertain significance (2). Last evaluated 2024-01-03.

Conditions:
Cardiovascular phenotype. Identifiers: MedGen CN230736.
Long QT syndrome (LQTS). Identifiers: MedGen C0023976, MeSH D008133, MONDO:0002442. Disease mechanism: loss of function. Inheritance: Various modes of inheritance.

Submissions (2):

Labcorp Genetics (formerly Invitae), Labcorp
Classification: Uncertain significance for Long QT syndrome. Last evaluated: 2024-01-03. Review status: criteria provided, single submitter. Criteria: Invitae Variant Classification Sherloc (09022015). Collection method: clinical testing. Allele origin: germline.
Comment: This sequence change replaces serine, which is neutral and polar, with arginine, which is basic and polar, at codon 1865 of the AKAP9 protein (p.Ser1865Arg). This variant is not present in population databases (gnomAD no frequency). This variant has not been reported in the literature in individuals affected with AKAP9-related conditions. An algorithm developed to predict the effect of missense changes on protein structure and function (PolyPhen-2) suggests that this variant is likely to be disruptive. In summary, the available evidence is currently insufficient to determine the role of this variant in disease. Therefore, it has been classified as a Variant of Uncertain Significance.

Ambry Genetics
Classification: Uncertain significance for Cardiovascular phenotype. Last evaluated: 2023-12-08. Review status: criteria provided, single submitter. Criteria: Ambry Variant Classification Scheme 2023. Collection method: clinical testing. Allele origin: germline.